The following is an entry in ClinVar:

NM_198721.4(COL25A1):c.696A>C (p.Glu232Asp)

Gene: COL25A1 (collagen type XXV alpha 1 chain; minus strand). Cytogenetic location: 4q25.
Variant type: single nucleotide variant.
Coding change: c.696A>C on transcript NM_198721.4 (MANE Select); coding-DNA position 696, A replaced by C.
Protein change: p.Glu232Asp; replaces glutamic acid 232 with aspartic acid.
Molecular consequence: missense variant.
Genome position (GRCh38, 1-based): chr4:108,937,820, T>G on the plus strand (A>C on the coding strand, the complement: COL25A1 is on the minus strand). VCF-style: chr4-108937820-T-G. GRCh37 (hg19) VCF-style: chr4-109858976-T-G.
Other names: c.684A>C, p.Glu228Asp (NM_001256074.3); c.696A>C, p.Glu232Asp (NM_032518.4); short protein forms E228D, E232D.
Identifiers: ClinVar variation 791983 (VCV000791983.6), dbSNP rs183625583, ClinGen allele CA3039672.

ClinVar aggregate classification (germline): Likely benign. Review status: criteria provided, single submitter (1 of 4 stars). 2 submissions from 2 submitters: Likely benign (1). 1 of the submissions does not count toward it. Last evaluated 2019-12-31.

Conditions:
COL25A1-related disorder. Also called: COL25A1-related condition.

Allele frequency attached by ClinVar (database versions not stated): gnomAD exomes 0.00020 and 0.00053; ExAC 0.00071; gnomAD 0.00224 and 0.00242; 1000 Genomes Project 30x 0.00250; TOPMed 0.00255; 1000 Genomes Project 0.00260; ESP Exome Variant Server 0.00312.
gnomAD v4.1: 641 of 1,608,234 alleles (0.04%); highest among the groups gnomAD compares: African/African-American, 0.81%; 2 homozygotes.

Submissions (2):

Labcorp Genetics (formerly Invitae), Labcorp
Classification: Likely benign. Last evaluated: 2019-12-31. Review status: criteria provided, single submitter. Criteria: Invitae Variant Classification Sherloc (09022015). Collection method: clinical testing. Allele origin: germline.

PreventionGenetics, part of Exact Sciences
Classification: Benign for COL25A1-related condition. Last evaluated: 2019-12-19. Review status: no assertion criteria provided. Collection method: clinical testing. Allele origin: germline. Not counted in ClinVar's aggregate classification.
Comment: This variant is classified as benign based on ACMG/AMP sequence variant interpretation guidelines (Richards et al. 2015 PMID: 25741868, with internal and published modifications).